The following is an entry in ClinVar:

NM_002972.4(SBF1):c.5614T>G (p.Cys1872Gly)

Gene: SBF1 (SET binding factor 1; minus strand). Cytogenetic location: 22q13.33.
Variant type: single nucleotide variant.
Coding change: c.5614T>G on transcript NM_002972.4 (MANE Select); coding-DNA position 5614, T replaced by G.
Protein change: p.Cys1872Gly; replaces cysteine 1872 with glycine.
Molecular consequence: missense variant.
Genome position (GRCh38, 1-based): chr22:50,447,210, A>C on the plus strand (T>G on the coding strand, the complement: SBF1 is on the minus strand). VCF-style: chr22-50447210-A-C. GRCh37 (hg19) VCF-style: chr22-50885639-A-C.
Other names: p.Cys1872Gly; c.5614T>G (NM_002972.2); c.5539T>G, p.Cys1847Gly (NM_001365819.1); short protein forms C1872G, C1847G.
Identifiers: ClinVar variation 1365054 (VCV001365054.11), dbSNP rs775751855, ClinGen allele CA10315744.

ClinVar aggregate classification (germline): Uncertain significance. Review status: criteria provided, multiple submitters, no conflicts (2 of 4 stars). 5 submissions from 5 submitters: Uncertain significance (5). Last evaluated 2025-06-24.

Allele frequency attached by ClinVar (database versions not stated): gnomAD exomes 0.00003 and 0.00010; gnomAD 0.00004 and 0.00005; TOPMed 0.00009; ExAC 0.00006.
gnomAD v4.1: 53 of 1,613,838 alleles (0.0033%); highest among the groups gnomAD compares: Admixed American, 0.035%; no homozygotes.

Submissions (5):

GeneDx
Classification: Uncertain significance. Last evaluated: 2025-06-24. Review status: criteria provided, single submitter. Criteria: GeneDx Variant Classification Process June 2021. Collection method: clinical testing. Allele origin: germline. Affected: yes.
Comment: In silico analysis is inconclusive as to whether the variant alters gene splicing. In the absence of RNA/functional studies, the actual effect of this sequence change is unknown.; In silico analysis supports that this missense variant has a deleterious effect on protein structure/function; Has not been previously published as pathogenic or benign to our knowledge

Ambry Genetics
Classification: Uncertain significance. Last evaluated: 2023-11-28. Review status: criteria provided, single submitter. Criteria: Ambry Variant Classification Scheme 2023. Collection method: clinical testing. Allele origin: germline.

Labcorp Genetics (formerly Invitae), Labcorp
Classification: Uncertain significance. Last evaluated: 2022-02-24. Review status: criteria provided, single submitter. Criteria: Invitae Variant Classification Sherloc (09022015). Collection method: clinical testing. Allele origin: germline.
Comment: This sequence change replaces cysteine, which is neutral and slightly polar, with glycine, which is neutral and non-polar, at codon 1872 of the SBF1 protein (p.Cys1872Gly). This variant is present in population databases (rs775751855, gnomAD 0.04%). This variant has not been reported in the literature in individuals affected with SBF1-related conditions. Algorithms developed to predict the effect of missense changes on protein structure and function are either unavailable or do not agree on the potential impact of this missense change (SIFT: "Tolerated"; PolyPhen-2: "Probably Damaging"; Align-GVGD: "Class C0"). Algorithms developed to predict the effect of sequence changes on RNA splicing suggest that this variant may disrupt the consensus splice site. In summary, the available evidence is currently insufficient to determine the role of this variant in disease. Therefore, it has been classified as a Variant of Uncertain Significance.

Mayo Clinic Laboratories, Mayo Clinic
Classification: Uncertain significance. Last evaluated: 2021-11-26. Review status: criteria provided, single submitter. Criteria: ACMG Guidelines, 2015. Collection method: clinical testing. Allele origin: germline.

Breakthrough Genomics
Classification: Uncertain significance. Review status: criteria provided, single submitter. Criteria: ACMG Guidelines, 2015. Collection method: not provided. Allele origin: germline. Inheritance: Autosomal dominant inheritance. Affected: yes.